The following is an entry in ClinVar:

NM_001172509.2(SATB2):c.700+17G>A

Gene: SATB2 (SATB homeobox 2; minus strand). Cytogenetic location: 2q33.1.
Variant type: single nucleotide variant.
Coding change: c.700+17G>A on transcript NM_001172509.2 (MANE Select); 17 bases into the intron after coding-DNA position 700, G replaced by A.
Molecular consequence: intron variant.
Genome position (GRCh38, 1-based): chr2:199,368,588, C>T on the plus strand (G>A on the coding strand, the complement: SATB2 is on the minus strand). VCF-style: chr2-199368588-C-T. GRCh37 (hg19) VCF-style: chr2-200233311-C-T.
Other names: c.700+17G>A (NM_001172517.1, NM_015265.4).
Identifiers: ClinVar variation 931623 (VCV000931623.3), dbSNP rs1689356095, ClinGen allele CA1139657591.
Genomic context (GRCh38, chr2:199,368,588, plus strand): 5'-CATAAATTCCAAACAACCAACAACTCATGAACCTCAGAAACTGAAAACAGGCTTTACAAA[C>T]AAAAAAGTCAGTTTACCTTTAATCTTCTTGTACTTTTTATACCATCTCCCAAACTCCTGG-3'

ClinVar aggregate classification (germline): Uncertain significance (1 of 4 stars; one submission).

Conditions:
Chromosome 2q32-q33 deletion syndrome (GLASS). Also called: Glass syndrome; 2q33.1 deletion syndrome. Identifiers: Orphanet 251019, MedGen C2676739, MONDO:0012864, OMIM 612313.

Submission:

Centre for Mendelian Genomics, University Medical Centre Ljubljana
Classification: Uncertain significance for Chromosome 2q32-q33 deletion syndrome. Last evaluated: 2019-10-02. Review status: criteria provided, single submitter. Criteria: ACMG Guidelines, 2015. Collection method: clinical testing. Allele origin: unknown. Affected: yes.
Comment: This variant was classified as: Uncertain significance. The available evidence on this variant's pathogenicity is insufficient or conflicting. The following ACMG criteria were applied in classifying this variant: PM2,BP4.